The following is an entry in ClinVar:

NM_004655.4(AXIN2):c.974A>C (p.Tyr325Ser)

Gene: AXIN2 (axin 2; minus strand). Cytogenetic location: 17q24.1.
Variant type: single nucleotide variant.
Coding change: c.974A>C on transcript NM_004655.4 (MANE Select); coding-DNA position 974, A replaced by C.
Protein change: p.Tyr325Ser; replaces tyrosine 325 with serine.
Molecular consequence: missense variant.
Genome position (GRCh38, 1-based): chr17:65,541,540, T>G on the plus strand (A>C on the coding strand, the complement: AXIN2 is on the minus strand). VCF-style: chr17-65541540-T-G. GRCh37 (hg19) VCF-style: chr17-63537658-T-G.
Other names: c.974A>C, p.Tyr325Ser (NM_001363813.1); short protein forms Y325S.
Identifiers: ClinVar variation 2750269 (VCV002750269.3), dbSNP rs1567759403, ClinGen allele CA400679366.

ClinVar aggregate classification (germline): Uncertain significance (1 of 4 stars; one submission).

Conditions:
Oligodontia-cancer predisposition syndrome. Also called: TOOTH AGENESIS-COLORECTAL CANCER SYNDROME. Identifiers: Orphanet 300576, MedGen C1837750, MONDO:0012075, OMIM 608615. Disease mechanism: loss of function.

Submission:

Labcorp Genetics (formerly Invitae), Labcorp
Classification: Uncertain significance for Oligodontia-cancer predisposition syndrome. Last evaluated: 2023-07-17. Review status: criteria provided, single submitter. Criteria: Invitae Variant Classification Sherloc (09022015). Collection method: clinical testing. Allele origin: germline.
Comment: In summary, the available evidence is currently insufficient to determine the role of this variant in disease. Therefore, it has been classified as a Variant of Uncertain Significance. Advanced modeling of protein sequence and biophysical properties (such as structural, functional, and spatial information, amino acid conservation, physicochemical variation, residue mobility, and thermodynamic stability) performed at Invitae indicates that this missense variant is not expected to disrupt AXIN2 protein function. This variant has not been reported in the literature in individuals affected with AXIN2-related conditions. This variant is not present in population databases (gnomAD no frequency). This sequence change replaces tyrosine, which is neutral and polar, with serine, which is neutral and polar, at codon 325 of the AXIN2 protein (p.Tyr325Ser).